The following is an entry in ClinVar:

ClinVar aggregate classification (germline): Uncertain significance (1 of 4 stars; one submission).

Allele frequency attached by ClinVar (database versions not stated): TOPMed below 0.00001.

Submission:

Labcorp Genetics (formerly Invitae), Labcorp
Classification: Uncertain significance. Last evaluated: 2020-10-20. Review status: criteria provided, single submitter. Criteria: Invitae Variant Classification Sherloc (09022015). Collection method: clinical testing. Allele origin: germline.
Comment: In summary, the available evidence is currently insufficient to determine the role of this variant in disease. Therefore, it has been classified as a Variant of Uncertain Significance. Algorithms developed to predict the effect of missense changes on protein structure and function are either unavailable or do not agree on the potential impact of this missense change (SIFT: "Deleterious"; PolyPhen-2: "Probably Damaging"; Align-GVGD: "Class C15"). This variant has not been reported in the literature in individuals with C8B-related conditions. This variant is not present in population databases (ExAC no frequency). This sequence change replaces glycine with arginine at codon 453 of the C8B protein (p.Gly453Arg). The glycine residue is highly conserved and there is a moderate physicochemical difference between glycine and arginine.

NM_000066.4(C8B):c.1357G>C (p.Gly453Arg)

Gene: C8B (complement C8 beta chain; minus strand). Cytogenetic location: 1p32.2.
Variant type: single nucleotide variant.
Coding change: c.1357G>C on transcript NM_000066.4 (MANE Select); coding-DNA position 1357, G replaced by C.
Protein change: p.Gly453Arg; replaces glycine 453 with arginine.
Molecular consequence: missense variant.
Genome position (GRCh38, 1-based): chr1:56,940,890, C>G on the plus strand (G>C on the coding strand, the complement: C8B is on the minus strand). VCF-style: chr1-56940890-C-G. GRCh37 (hg19) VCF-style: chr1-57406563-C-G.
Other names: c.1201G>C, p.Gly401Arg (NM_001278543.2); c.1171G>C, p.Gly391Arg (NM_001278544.2); short protein forms G401R, G391R, G453R.
Identifiers: ClinVar variation 1520838 (VCV001520838.8), dbSNP rs1644842359, ClinGen allele CA340522180.